The following is an entry in ClinVar:

NM_001365999.1(SZT2):c.7785A>G (p.Gln2595=)

Gene: SZT2 (SZT2 subunit of KICSTOR complex; plus strand). Cytogenetic location: 1p34.2.
Variant type: single nucleotide variant.
Coding change: c.7785A>G on transcript NM_001365999.1 (MANE Select); coding-DNA position 7785, A replaced by G.
Protein change: p.Gln2595=; no amino-acid change (glutamine 2595 retained).
Molecular consequence: synonymous variant.
Genome position (GRCh38, 1-based): chr1:43,442,042, A>G. VCF-style: chr1-43442042-A-G. GRCh37 (hg19) VCF-style: chr1-43907713-A-G.
Other names: c.7614A>G, p.Gln2538= (NM_015284.4).
Identifiers: ClinVar variation 1021947 (VCV001021947.9), dbSNP rs139803823, ClinGen allele CA810336.

ClinVar aggregate classification (germline): Conflicting classifications of pathogenicity. Review status: criteria provided, conflicting classifications (1 of 4 stars). 3 submissions from 3 submitters: Uncertain significance (2); Likely benign (1). Last evaluated 2024-07-08.

Conditions:
Developmental and epileptic encephalopathy, 18 (DEE18). Also called: Early infantile epileptic encephalopathy 18. Identifiers: Orphanet 369894, MedGen C3809624, MONDO:0014201, OMIM 615476.

Allele frequency attached by ClinVar (database versions not stated): gnomAD 0.00001; gnomAD exomes 0.00001; TOPMed 0.00001.
gnomAD v4.1: 7 of 1,614,068 alleles (0.00043%); highest among the groups gnomAD compares: African/African-American, 0.0027%; no homozygotes.

Submissions (3):

Labcorp Genetics (formerly Invitae), Labcorp
Classification: Likely benign. Last evaluated: 2024-07-08. Review status: criteria provided, single submitter. Criteria: Invitae Variant Classification Sherloc (09022015). Collection method: clinical testing. Allele origin: germline.

GeneDx
Classification: Uncertain significance. Last evaluated: 2023-10-24. Review status: criteria provided, single submitter. Criteria: GeneDx Variant Classification Process June 2021. Collection method: clinical testing. Allele origin: germline. Affected: yes.
Comment: Has not been previously published as pathogenic or benign to our knowledge; In silico analysis is inconclusive as to whether the variant alters gene splicing. In the absence of RNA/functional studies, the actual effect of this sequence change is unknown.

Genome-Nilou Lab
Classification: Uncertain significance for Developmental and epileptic encephalopathy, 18. Last evaluated: 2023-04-11. Review status: criteria provided, single submitter. Criteria: ACMG Guidelines, 2015. Collection method: clinical testing. Allele origin: germline. Affected: no.